The following is an entry in ClinVar:

ClinVar aggregate classification (germline): Uncertain significance. Review status: criteria provided, multiple submitters, no conflicts (2 of 4 stars). 3 submissions from 3 submitters: Uncertain significance (2). 1 of the submissions does not count toward it. Last evaluated 2025-06-10.

Conditions:
MEGF8-related disorder. Also called: MEGF8-related condition.
Inborn genetic diseases. Identifiers: MedGen C0950123, MeSH D030342.
MEGF8-related Carpenter syndrome. Also called: Carpenter syndrome 2. Identifiers: Orphanet 65759, MedGen C3554247, MONDO:0013998, OMIM 614976.

Allele frequency attached by ClinVar (database versions not stated): ExAC 0.00010; gnomAD exomes 0.00017; TOPMed 0.00003; gnomAD 0.00005.
gnomAD v4.1: 252 of 1,611,894 alleles (0.016%); highest among the groups gnomAD compares: Non-Finnish European, 0.018%; no homozygotes.

Submissions (3):

Ambry Genetics
Classification: Uncertain significance for Inborn genetic diseases. Last evaluated: 2025-06-10. Review status: criteria provided, single submitter. Criteria: Ambry Variant Classification Scheme 2023. Collection method: clinical testing. Allele origin: germline.

Labcorp Genetics (formerly Invitae), Labcorp
Classification: Uncertain significance for MEGF8-related Carpenter syndrome. Last evaluated: 2021-08-24. Review status: criteria provided, single submitter. Criteria: Invitae Variant Classification Sherloc (09022015). Collection method: clinical testing. Allele origin: germline.
Comment: This sequence change replaces glutamic acid with lysine at codon 161 of the MEGF8 protein (p.Glu161Lys). The glutamic acid residue is weakly conserved and there is a small physicochemical difference between glutamic acid and lysine. This variant is present in population databases (rs762892185, ExAC 0.02%). This variant has not been reported in the literature in individuals affected with MEGF8-related conditions. Algorithms developed to predict the effect of missense changes on protein structure and function (SIFT, PolyPhen-2, Align-GVGD) all suggest that this variant is likely to be tolerated. In summary, the available evidence is currently insufficient to determine the role of this variant in disease. Therefore, it has been classified as a Variant of Uncertain Significance.

PreventionGenetics, part of Exact Sciences
Classification: Uncertain significance for MEGF8-related condition. Last evaluated: 2024-09-17. Review status: no assertion criteria provided. Collection method: clinical testing. Allele origin: germline. Not counted in ClinVar's aggregate classification.
Comment: The MEGF8 c.481G>A variant is predicted to result in the amino acid substitution p.Glu161Lys. To our knowledge, this variant has not been reported in the literature. This variant is reported in 0.051% of alleles in individuals of European (Finnish) descent in gnomAD. At this time, the clinical significance of this variant is uncertain due to the absence of conclusive functional and genetic evidence.

NM_001271938.2(MEGF8):c.481G>A (p.Glu161Lys)

Gene: MEGF8 (multiple EGF like domains 8; plus strand). Cytogenetic location: 19q13.2.
Variant type: single nucleotide variant.
Coding change: c.481G>A on transcript NM_001271938.2 (MANE Select); coding-DNA position 481, G replaced by A.
Protein change: p.Glu161Lys; replaces glutamic acid 161 with lysine.
Molecular consequence: missense variant.
Genome position (GRCh38, 1-based): chr19:42,334,136, G>A. VCF-style: chr19-42334136-G-A. GRCh37 (hg19) VCF-style: chr19-42838288-G-A.
Other names: c.481G>A, p.Glu161Lys (NM_001410.3); c.481G>A (NM_001410.2); short protein forms E161K.
Identifiers: ClinVar variation 2082052 (VCV002082052.3), dbSNP rs762892185, ClinGen allele CA9474179.
Genomic context (GRCh38, chr19:42,334,136, plus strand): 5'-CTGTGCCCGGGTGGCTGCCAGAGCCACGGGCAGTGCCAGCCACCGGGTGTGTGTGCCTGC[G>A]AGCCGGGCTGGGGGGGTCCTGACTGTGGCCTGCAGGAGTGCTCAGCCTACTGTGGCAGCC-3'
Protein context (NP_001258867.1, residues 151-171): QCQPPGVCAC[Glu161Lys]PGWGGPDCGL